The following is an entry in ClinVar:

NM_001130438.3(SPTAN1):c.7308+19G>A

Gene: SPTAN1 (spectrin alpha, non-erythrocytic 1; plus strand). Cytogenetic location: 9q34.11.
Variant type: single nucleotide variant.
Coding change: c.7308+19G>A on transcript NM_001130438.3 (MANE Select); 19 bases into the intron after coding-DNA position 7308, G replaced by A.
Molecular consequence: intron variant.
Genome position (GRCh38, 1-based): chr9:128,632,974, G>A. VCF-style: chr9-128632974-G-A. GRCh37 (hg19) VCF-style: chr9-131395253-G-A.
Other names: c.7407+19G>A (NM_001375318.1); c.7344+19G>A (NM_001375312.2, NM_001438440.1); c.7308+19G>A (NM_001375311.2); c.7248+19G>A (NM_001375314.2, NM_001363765.2); c.7395+19G>A (NM_001375310.1); c.7371+19G>A (NM_001363759.2); c.7290+19G>A (NM_001375313.1); c.7356+19G>A (NM_001438445.1); and 6 more.
Identifiers: ClinVar variation 4711718 (VCV004711718.1).

ClinVar aggregate classification (germline): Uncertain significance (1 of 4 stars; one submission).

Conditions:
Early-infantile DEE. Also called: Early infantile epileptic encephalopathy with suppression bursts; Early infantile epileptic encephalopathy; Ohtahara syndrome. Identifiers: Orphanet 1934, MedGen C0393706, MONDO:0800491.

gnomAD v4.1: 1 of 1,609,398 alleles (0.000062%); highest among the groups gnomAD compares: South Asian, 0.0011%; no homozygotes.

Submission:

Labcorp Genetics (formerly Invitae), Labcorp
Classification: Uncertain significance for Early-infantile DEE. Last evaluated: 2025-12-30. Review status: criteria provided, single submitter. Criteria: Invitae Variant Classification Sherloc (09022015). Collection method: clinical testing. Allele origin: germline.
Comment: This sequence change falls in intron 56 of the SPTAN1 gene. It does not directly change the encoded amino acid sequence of the SPTAN1 protein. This variant is present in population databases (rs746241176, gnomAD 0.005%). This variant has not been reported in the literature in individuals affected with SPTAN1-related conditions. Algorithms developed to predict the effect of sequence changes on RNA splicing suggest that this variant may create or strengthen a splice site. In summary, the available evidence is currently insufficient to determine the role of this variant in disease. Therefore, it has been classified as a Variant of Uncertain Significance.